The following is an entry in ClinVar:

NM_004369.4(COL6A3):c.6627+19C>T

Gene: COL6A3 (collagen type VI alpha 3 chain; minus strand). Cytogenetic location: 2q37.3.
Variant type: single nucleotide variant.
Coding change: c.6627+19C>T on transcript NM_004369.4 (MANE Select); 19 bases into the intron after coding-DNA position 6627, C replaced by T.
Molecular consequence: intron variant.
Genome position (GRCh38, 1-based): chr2:237,354,880, G>A on the plus strand (C>T on the coding strand, the complement: COL6A3 is on the minus strand). VCF-style: chr2-237354880-G-A. GRCh37 (hg19) VCF-style: chr2-238263523-G-A.
Other names: c.4806+19C>T (NM_057166.5); c.6009+19C>T (NM_057167.4).
Identifiers: ClinVar variation 2581377 (VCV002581377.1), dbSNP rs772510389, ClinGen allele CA67849892.
Genomic context (GRCh38, chr2:237,354,880, plus strand): 5'-AGAGTGTTTTTCACTCCTGGGCTGGGCGGCATCTGGGCTGTTTGAAGAGAGTCTCCAGGG[G>A]GCACTGCATGAGGCTCACCTTAGCTCCGGGGGGTCCCCTTCGGCCAAAGCCACCCTGTGG-3'

ClinVar aggregate classification (germline): Likely benign (1 of 4 stars; one submission).

Allele frequency attached by ClinVar (database versions not stated): TOPMed below 0.00001; gnomAD exomes 0.00001.

Submission:

Women's Health and Genetics/Laboratory Corporation of America, LabCorp
Classification: Likely benign. Last evaluated: 2023-08-25. Review status: criteria provided, single submitter. Criteria: LabCorp Variant Classification Summary - May 2015. Collection method: clinical testing. Allele origin: germline.
Comment: Variant summary: COL6A3 c.6627+19C>T alters a non-conserved nucleotide located at a position not widely known to affect splicing. Consensus agreement among computational tools predict no significant impact on normal splicing. However, these predictions have yet to be confirmed by functional studies. The variant was absent in 248898 control chromosomes (gnomAD). The available data on variant occurrences in the general population are insufficient to allow any conclusion about variant significance. To our knowledge, no occurrence of c.6627+19C>T in individuals affected with Ullrich Congenital Muscular Dystrophy 1 and no experimental evidence demonstrating its impact on protein function have been reported. No submitters have cited clinical-significance assessments for this variant to ClinVar after 2014. Based on the evidence outlined above, the variant was classified as likely benign.